The following is an entry in ClinVar:

NR_003051.4(RMRP):n.95_96insT

Gene: RMRP (RNA component of mitochondrial RNA processing endoribonuclease; minus strand). Cytogenetic location: 9p13.3.
Variant type: Insertion.
Molecular consequence: non-coding transcript variant (on NR_003051.4).
Genome position: GRCh38 VCF-style: chr9-35657924-T-TA. GRCh37 (hg19) VCF-style: chr9-35657921-T-TA.
Identifiers: ClinVar variation 4701039 (VCV004701039.1).

ClinVar aggregate classification (germline): Uncertain significance (1 of 4 stars; one submission).

Conditions:
Anauxetic dysplasia. Identifiers: Orphanet 93347, MedGen C1846796, MONDO:0011773.

Submission:

Labcorp Genetics (formerly Invitae), Labcorp
Classification: Uncertain significance for Anauxetic dysplasia. Last evaluated: 2025-10-17. Review status: criteria provided, single submitter. Criteria: Invitae Variant Classification Sherloc (09022015). Collection method: clinical testing. Allele origin: germline.
Comment: This variant occurs in the RMRP gene, which encodes an RNA molecule that does not result in a protein product. This variant is not present in population databases (gnomAD no frequency). This variant has not been reported in the literature in individuals affected with RMRP-related conditions. Experimental studies and prediction algorithms are not available or were not evaluated, and the functional significance of this variant is currently unknown. In summary, the available evidence is currently insufficient to determine the role of this variant in disease. Therefore, it has been classified as a Variant of Uncertain Significance.